The following is an entry in ClinVar:

NM_007373.4(SHOC2):c.38A>C (p.Glu13Ala)

Gene: SHOC2 (SHOC2 leucine rich repeat scaffold protein; plus strand). Cytogenetic location: 10q25.2.
Variant type: single nucleotide variant.
Coding change: c.38A>C on transcript NM_007373.4 (MANE Select); coding-DNA position 38, A replaced by C.
Protein change: p.Glu13Ala; replaces glutamic acid 13 with alanine.
Molecular consequence: missense variant.
Genome position (GRCh38, 1-based): chr10:110,964,396, A>C. VCF-style: chr10-110964396-A-C. GRCh37 (hg19) VCF-style: chr10-112724154-A-C.
Other names: p.E13A:GAA>GCA; NM_007373.3(SHOC2):c.38A>C; c.38A>C, p.Glu13Ala (NM_001269039.3, NM_001324336.2, NM_001324337.2); short protein forms E13A.
Identifiers: ClinVar variation 181526 (VCV000181526.29), dbSNP rs730881018, ClinGen allele CA297169.

ClinVar aggregate classification (germline): Likely benign. Review status: reviewed by expert panel (3 of 4 stars). 8 submissions from 8 submitters: Likely benign (1). 7 of the submissions do not count toward it. Last evaluated 2017-04-18.

Conditions:
SHOC2-related disorder. Also called: SHOC2-related condition.
RASopathy. Also called: rasopathies; Noonan spectrum disorder. Identifiers: Orphanet 536391, MedGen C5555857, MONDO:0021060.
Noonan syndrome-like disorder with loose anagen hair 1 (NSLH1). Also called: MAZZANTI SYNDROME; TOSTI SYNDROME. Identifiers: Orphanet 2701, MedGen C4478716, MONDO:0054637, OMIM 607721.

Allele frequency attached by ClinVar (database versions not stated): gnomAD 0.00002; TOPMed 0.00006.
gnomAD v4.1: 36 of 1,613,068 alleles (0.0022%); highest among the groups gnomAD compares: Admixed American, 0.06%; no homozygotes.

Submissions (8):

ClinGen RASopathy Variant Curation Expert Panel
Classification: Likely benign for Noonan syndrome and Noonan-related syndrome. Last evaluated: 2017-04-18. Review status: reviewed by expert panel. Criteria: ClinGen RASopathy ACMG Specifications v1. Collection method: curation. Allele origin: germline. Inheritance: Autosomal dominant inheritance.
Comment: The filtering allele frequency of the c.38A>C (p.Glu13Ala) variant in the SHOC2 gene is 0.0484% (10/11206) of Latino chromosomes by the Exome Aggregation Consortium, which is a high enough frequency to be classified as likely benign based on thresholds defined by the ClinGen RASopathy Expert Panel (BS1; PMID:29493581)

Labcorp Genetics (formerly Invitae), Labcorp
Classification: Likely benign for RASopathy. Last evaluated: 2026-01-19. Review status: criteria provided, single submitter. Criteria: Invitae Variant Classification Sherloc (09022015). Collection method: clinical testing. Allele origin: germline. Not counted in ClinVar's aggregate classification.

Blueprint Genetics
Classification: Likely benign. Last evaluated: 2021-12-13. Review status: criteria provided, single submitter. Criteria: ACMG Guidelines, 2015. Collection method: clinical testing. Allele origin: germline. Not counted in ClinVar's aggregate classification.

Fulgent Genetics
Classification: Likely benign for Noonan syndrome-like disorder with loose anagen hair 1. Last evaluated: 2021-09-08. Review status: criteria provided, single submitter. Criteria: ACMG Guidelines, 2015. Collection method: clinical testing. Allele origin: unknown. Not counted in ClinVar's aggregate classification.

ARUP Laboratories, Molecular Genetics and Genomics, ARUP Laboratories
Classification: Likely benign for Noonan syndrome-like disorder with loose anagen hair 1. Last evaluated: 2020-07-06. Review status: criteria provided, single submitter. Criteria: ARUP Molecular Germline Variant Investigation Process. Collection method: clinical testing. Allele origin: germline. Not counted in ClinVar's aggregate classification.

Eurofins Ntd Llc (ga)
Classification: Uncertain significance. Last evaluated: 2018-02-06. Review status: criteria provided, single submitter. Criteria: EGL Classification Definitions 2015. Collection method: clinical testing. Allele origin: germline. Observed: 1 variant allele, 1 heterozygote. Not counted in ClinVar's aggregate classification.

GeneDx
Classification: Benign. Last evaluated: 2016-06-06. Review status: criteria provided, single submitter. Criteria: GeneDx Variant Classification (06012015). Collection method: clinical testing. Allele origin: germline. Affected: yes. Not counted in ClinVar's aggregate classification.
Comment: This variant is considered likely benign or benign based on one or more of the following criteria: it is a conservative change, it occurs at a poorly conserved position in the protein, it is predicted to be benign by multiple in silico algorithms, and/or has population frequency not consistent with disease.

PreventionGenetics, part of Exact Sciences
Classification: Likely benign for SHOC2-related condition. Last evaluated: 2020-08-04. Review status: no assertion criteria provided. Collection method: clinical testing. Allele origin: germline. Not counted in ClinVar's aggregate classification.
Comment: This variant is classified as likely benign based on ACMG/AMP sequence variant interpretation guidelines (Richards et al. 2015 PMID: 25741868, with internal and published modifications).